The following is an entry in ClinVar:

ClinVar aggregate classification (germline): Uncertain significance. Review status: criteria provided, single submitter (1 of 4 stars). 2 submissions from 2 submitters: Uncertain significance (1). 1 of the submissions does not count toward it. Last evaluated 2023-12-25.

Conditions:
Metaphyseal chondrodysplasia, McKusick type (CHH). Also called: Cartilage-Hair Hypoplasia (CHH); Cartilage-hair hypoplasia. Identifiers: Orphanet 175, MedGen C0220748, MONDO:0009595, OMIM 250250.
Anauxetic dysplasia. Identifiers: Orphanet 93347, MedGen C1846796, MONDO:0011773.

Allele frequency attached by ClinVar (database versions not stated): gnomAD 0.00001; TOPMed 0.00002; gnomAD exomes 0.00004 and 0.00010.
gnomAD v4.1: 24 of 697,766 alleles (0.0034%); highest among the groups gnomAD compares: Admixed American, 0.022%; no homozygotes.

Submissions (2):

Labcorp Genetics (formerly Invitae), Labcorp
Classification: Uncertain significance for Anauxetic dysplasia. Last evaluated: 2023-12-25. Review status: criteria provided, single submitter. Criteria: Invitae Variant Classification Sherloc (09022015). Collection method: clinical testing. Allele origin: germline.
Comment: This variant occurs in the RMRP gene, which encodes an RNA molecule that does not result in a protein product. This variant is present in population databases (no rsID available, gnomAD 0.03%). This variant has not been reported in the literature in individuals affected with RMRP-related conditions. ClinVar contains an entry for this variant (Variation ID: 1022771). Experimental studies and prediction algorithms are not available or were not evaluated, and the functional significance of this variant is currently unknown. In summary, the available evidence is currently insufficient to determine the role of this variant in disease. Therefore, it has been classified as a Variant of Uncertain Significance.

Natera, Inc.
Classification: Uncertain significance for Cartilage-hair hypoplasia. Last evaluated: 2020-01-17. Review status: no assertion criteria provided. Collection method: clinical testing. Allele origin: germline. Not counted in ClinVar's aggregate classification.

NR_003051.4(RMRP):n.235A>G

Gene: RMRP (RNA component of mitochondrial RNA processing endoribonuclease; minus strand). Cytogenetic location: 9p13.3.
Variant type: single nucleotide variant.
Genome position: GRCh38 VCF-style: chr9-35657785-T-C. GRCh37 (hg19) VCF-style: chr9-35657782-T-C.
Identifiers: ClinVar variation 1022771 (VCV001022771.4), dbSNP rs1371155716, ClinGen allele CA464450359.